The following is an entry in ClinVar:

NM_005477.3(HCN4):c.1381T>C (p.Trp461Arg)

Gene: HCN4 (hyperpolarization activated cyclic nucleotide gated potassium channel 4; minus strand). Cytogenetic location: 15q24.1.
Variant type: single nucleotide variant.
Coding change: c.1381T>C on transcript NM_005477.3 (MANE Select); coding-DNA position 1381, T replaced by C.
Protein change: p.Trp461Arg; replaces tryptophan 461 with arginine.
Molecular consequence: missense variant.
Genome position (GRCh38, 1-based): chr15:73,329,782, A>G on the plus strand (T>C on the coding strand, the complement: HCN4 is on the minus strand). VCF-style: chr15-73329782-A-G. GRCh37 (hg19) VCF-style: chr15-73622123-A-G.
Other names: short protein forms W461R.
Identifiers: ClinVar variation 452053 (VCV000452053.2), dbSNP rs1555475992, ClinGen allele CA393094183.

ClinVar aggregate classification (germline): Uncertain significance (1 of 4 stars; one submission).

Submission:

GeneDx
Classification: Uncertain significance. Last evaluated: 2017-09-15. Review status: criteria provided, single submitter. Criteria: GeneDx Variant Classification (06012015). Collection method: clinical testing. Allele origin: germline. Affected: yes.
Comment: A variant of uncertain significance has been identified in the HCN4 gene. The W461R variant has not been published as pathogenic or been reported as benign to our knowledge. This variant is not observed in large population cohorts (Lek et al., 2016). The W461R variant is a non-conservative amino acid substitution, which is likely to impact secondary protein structure as these residues differ in polarity, charge, size and/or other properties. This substitution occurs at a position that is conserved across species, and in silico analysis predicts this variant is probably damaging to the protein structure/function. However, this variant lacks observation in a significant number of affected individuals, segregation data, and functional evidence, which would further clarify its pathogenicity.